The following is an entry in ClinVar:

ClinVar aggregate classification (germline): Uncertain significance (1 of 4 stars; one submission).

Submission:

GeneDx
Classification: Uncertain significance. Last evaluated: 2025-07-07. Review status: criteria provided, single submitter. Criteria: GeneDx Variant Classification Process June 2021. Collection method: clinical testing. Allele origin: germline. Affected: yes.
Comment: Not observed at significant frequency in large population cohorts (gnomAD); In silico analysis suggests that this missense variant does not alter protein structure/function; Has not been previously published as pathogenic or benign to our knowledge

NM_001363711.2(DUOX2):c.313G>A (p.Gly105Arg)

Gene: DUOX2 (dual oxidase 2; minus strand). Cytogenetic location: 15q21.1.
Variant type: single nucleotide variant.
Coding change: c.313G>A on transcript NM_001363711.2 (MANE Select); coding-DNA position 313, G replaced by A.
Protein change: p.Gly105Arg; replaces glycine 105 with arginine.
Molecular consequence: missense variant.
Genome position (GRCh38, 1-based): chr15:45,112,566, C>T on the plus strand (G>A on the coding strand, the complement: DUOX2 is on the minus strand). VCF-style: chr15-45112566-C-T. GRCh37 (hg19) VCF-style: chr15-45404764-C-T.
Other names: c.313G>A, p.Gly105Arg (NM_014080.5); short protein forms G105R.
Identifiers: ClinVar variation 4685368 (VCV004685368.1).
Genomic context (GRCh38, chr15:45,112,566, plus strand): 5'-TGAGCAGAGCGCCAGATCAACCCCACTGGTCTCCCCCTTTGCCCTCACCAAAGAAGACCC[C>T]CAGTACGGTGCGGTTGTGGAGCGACGGCAGGCCGGCTATGCCCCGCGTGGCTGCGTTGCT-3'
Protein context (NP_001350640.1, residues 95-115): LPSLHNRTVL[Gly105Arg]VFFGYHVLSD